The following is an entry in ClinVar:

NC_000001.10:g.(?_215799123)_(215844655_?)del

Gene: USH2A (usherin; minus strand). Cytogenetic location: 1q41.
Variant type: Deletion.
Identifiers: ClinVar variation 2427747 (VCV002427747.4).

ClinVar aggregate classification (germline): Pathogenic (1 of 4 stars; one submission).

Submission:

Labcorp Genetics (formerly Invitae), Labcorp
Classification: Pathogenic. Last evaluated: 2022-05-30. Review status: criteria provided, single submitter. Criteria: Invitae Variant Classification Sherloc (09022015). Collection method: clinical testing. Allele origin: germline.
Comment: For these reasons, this variant has been classified as Pathogenic. This variant disrupts a region of the USH2A protein in which other variant(s) (p.Ile5166Val) have been determined to be pathogenic (PMID: 26969326, 27460420, 32531858). This suggests that this is a clinically significant region of the protein, and that variants that disrupt it are likely to be disease-causing. This variant has not been reported in the literature in individuals affected with USH2A-related conditions. This variant is a gross deletion of the genomic region encompassing exon(s) 64-72 of the USH2A gene, which includes the termination codon. This deletion extends beyond the assayed region for this gene and therefore may encompass additional genes. While this deletion is not anticipated to lead to nonsense mediated decay, it is expected to alter mRNA translation or result in a truncated protein product.

Literature cited by the submitters: PubMed 26969326; PubMed 27460420; PubMed 32531858.